The following is an entry in ClinVar:

NM_015214.3(DDHD2):c.331_344del (p.Arg111fs)

Gene: DDHD2 (DDHD domain containing 2; plus strand). Cytogenetic location: 8p11.23.
Variant type: Deletion.
Coding change: c.331_344del on transcript NM_015214.3 (MANE Select); coding-DNA positions 331 to 344, 14 bases deleted (AGACGATGTACGTG).
Protein change: p.Arg111fs; shifts the reading frame from arginine 111.
Molecular consequence: frameshift variant. On other transcripts: non-coding transcript variant (2).
Genome position (GRCh38, 1-based): chr8:38,234,504-38,234,517, AGACGATGTACGTG deleted; deleting any 14 consecutive bases within chr8:38,234,501-38,234,517 gives the same sequence; the c. name uses the placement nearest the transcript's 3' end. VCF-style (leftmost placement, unchanged base first): chr8-38234500-AGTGAGACGATGTAC-A. GRCh37 (hg19) VCF-style: chr8-38092018-AGTGAGACGATGTAC-A.
Other names: c.331_344del, p.Arg111fs (NM_001164232.2, NM_001164234.2, NM_001362911.2 and 3 more transcripts); short protein forms R111fs.
Identifiers: ClinVar variation 503937 (VCV000503937.2), dbSNP rs1554511216, ClinGen allele CA658797085.
Genomic context (GRCh38, chr8:38,234,500, plus strand): 5'-TGATGTTCATTTGGGGGAGAGGATGCGGTATGCTGTATACTGGGATGAACTGGCATCGGA[AGTGAGACGATGTAC>A]GTGGTTTTACAAGGGGGACAAAGACAATAAGTATGTTCCCTACTCGGAGAGCTTCAGCCA-3'

ClinVar aggregate classification (germline): Likely pathogenic (1 of 4 stars; one submission).

Submission:

GeneDx
Classification: Likely pathogenic. Last evaluated: 2017-12-20. Review status: criteria provided, single submitter. Criteria: GeneDx Variant Classification (06012015). Collection method: clinical testing. Allele origin: germline. Affected: yes.
Comment: The c.331_344del14 variant in the DDHD2 gene has not been reported previously as a pathogenic variant nor as a benign variant, to our knowledge. The DDHD2 variant causes a frameshift starting with codon Arginine 111, changes this amino acid to a Valine residue, and creates a premature Stop codon at position 9 of the new reading frame, denoted p.Arg111ValfsX9. This variant is predicted to cause loss of normal protein function either through protein truncation or nonsense-mediated mRNA decay. The DDHD2 variant is not observed in large population cohorts (Lek et al., 2016). We interpret c.331_344del14 as a likely pathogenic variant.